The following is an entry in ClinVar:

ClinVar aggregate classification (germline): Uncertain significance (1 of 4 stars; one submission).

Conditions:
Propionic acidemia (PROP). Also called: GLYCINEMIA, KETOTIC; HYPERGLYCINEMIA WITH KETOACIDOSIS AND LEUKOPENIA; KETOTIC HYPERGLYCINEMIA. Identifiers: Orphanet 35, MedGen C0268579, MONDO:0011628, OMIM 606054, HP:0003571.

Allele frequency attached by ClinVar (database versions not stated): gnomAD exomes below 0.00001.
gnomAD v4.1: 3 of 1,614,004 alleles (0.00019%); highest among the groups gnomAD compares: Non-Finnish European, 0.00025%; no homozygotes.

Submission:

Labcorp Genetics (formerly Invitae), Labcorp
Classification: Uncertain significance for Propionic acidemia. Last evaluated: 2022-03-13. Review status: criteria provided, single submitter. Criteria: Invitae Variant Classification Sherloc (09022015). Collection method: clinical testing. Allele origin: germline.
Comment: This sequence change replaces proline, which is neutral and non-polar, with alanine, which is neutral and non-polar, at codon 359 of the PCCA protein (p.Pro359Ala). This variant is not present in population databases (gnomAD no frequency). This variant has not been reported in the literature in individuals affected with PCCA-related conditions. Advanced modeling of protein sequence and biophysical properties (such as structural, functional, and spatial information, amino acid conservation, physicochemical variation, residue mobility, and thermodynamic stability) performed at Invitae indicates that this missense variant is expected to disrupt PCCA protein function. In summary, the available evidence is currently insufficient to determine the role of this variant in disease. Therefore, it has been classified as a Variant of Uncertain Significance.

NM_000282.4(PCCA):c.1075C>G (p.Pro359Ala)

Gene: PCCA (propionyl-CoA carboxylase subunit alpha; plus strand). Cytogenetic location: 13q32.3.
Variant type: single nucleotide variant.
Coding change: c.1075C>G on transcript NM_000282.4 (MANE Select); coding-DNA position 1075, C replaced by G.
Protein change: p.Pro359Ala; replaces proline 359 with alanine.
Molecular consequence: missense variant. On other transcripts: non-coding transcript variant (5), intron variant (3).
Genome position (GRCh38, 1-based): chr13:100,301,469, C>G. VCF-style: chr13-100301469-C-G. GRCh37 (hg19) VCF-style: chr13-100953723-C-G.
Other names: c.1066-1455C>G (NM_001352606.2); c.121-1455C>G (NM_001352612.2); c.988-1455C>G (NM_001352608.2); c.997C>G, p.Pro333Ala (NM_001127692.3, NM_001352607.2); c.1075C>G, p.Pro359Ala (NM_001178004.2, NM_001352605.2, NM_001352609.2); c.130C>G, p.Pro44Ala (NM_001352610.2, NM_001352611.2); short protein forms P359A, P333A, P44A.
Identifiers: ClinVar variation 2111412 (VCV002111412.1), dbSNP rs2548112842, ClinGen allele CA388695115.
Genomic context (GRCh38, chr13:100,301,469, plus strand): 5'-ATTTATTTACCCTTTTCTACACCTACTGACTGGCAGACCTTGGCCTTGCAGGTTGAGCAT[C>G]CTGTCACAGAATGCATTACTGGCCTGGACCTAGTCCAGGAAATGATCCGTGTTGCTAAGG-3'
Protein context (NP_000273.2, residues 349-369): EMNTRLQVEH[Pro359Ala]VTECITGLDL